The following is an entry in ClinVar:

NM_000016.6(ACADM):c.321A>C (p.Leu107Phe)

Gene: ACADM (acyl-CoA dehydrogenase medium chain; plus strand). Cytogenetic location: 1p31.1.
Variant type: single nucleotide variant.
Coding change: c.321A>C on transcript NM_000016.6 (MANE Select); coding-DNA position 321, A replaced by C.
Protein change: p.Leu107Phe; replaces leucine 107 with phenylalanine.
Molecular consequence: missense variant. On other transcripts: intron variant (1).
Genome position (GRCh38, 1-based): chr1:75,733,562, A>C. VCF-style: chr1-75733562-A-C. GRCh37 (hg19) VCF-style: chr1-76199247-A-C.
Other names: c.333A>C, p.Leu111Phe (NM_001127328.3); c.213A>C, p.Leu71Phe (NM_001286042.2); c.420A>C, p.Leu140Phe (NM_001286043.2); c.-100+640A>C (NM_001286044.2); short protein forms L140F, L111F, L71F, L107F.
Identifiers: ClinVar variation 1494544 (VCV001494544.8), dbSNP rs2100365813, ClinGen allele CA340812041.

ClinVar aggregate classification (germline): Likely pathogenic (1 of 4 stars; one submission).

Conditions:
Medium-chain acyl-coenzyme A dehydrogenase deficiency (ACADMD). Also called: Medium chain acyl-CoA dehydrogenase deficiency; MCAD Deficiency; CARNITINE DEFICIENCY SECONDARY TO MEDIUM-CHAIN ACYL-CoA DEHYDROGENASE DEFICIENCY; MCADD; MCADH DEFICIENCY; ACADM DEFICIENCY. Identifiers: Orphanet 42, MedGen C0220710, MONDO:0008721, OMIM 201450.

Submission:

Labcorp Genetics (formerly Invitae), Labcorp
Classification: Likely pathogenic for Medium-chain acyl-coenzyme A dehydrogenase deficiency. Last evaluated: 2022-12-29. Review status: criteria provided, single submitter. Criteria: Invitae Variant Classification Sherloc (09022015). Collection method: clinical testing. Allele origin: germline.
Comment: This sequence change replaces leucine, which is neutral and non-polar, with phenylalanine, which is neutral and non-polar, at codon 107 of the ACADM protein (p.Leu107Phe). This variant is not present in population databases (gnomAD no frequency). This variant has not been reported in the literature in individuals affected with ACADM-related conditions. ClinVar contains an entry for this variant (Variation ID: 1494544). Advanced modeling of protein sequence and biophysical properties (such as structural, functional, and spatial information, amino acid conservation, physicochemical variation, residue mobility, and thermodynamic stability) has been performed at Invitae for this missense variant, however the output from this modeling did not meet the statistical confidence thresholds required to predict the impact of this variant on ACADM protein function. This variant disrupts the p.Leu107 amino acid residue in ACADM. Other variant(s) that disrupt this residue have been determined to be pathogenic (PMID: 15171998, 18450854, 20036593, 20434380). This suggests that this residue is clinically significant, and that variants that disrupt this residue are likely to be disease-causing. In summary, the currently available evidence indicates that the variant is pathogenic, but additional data are needed to prove that conclusively. Therefore, this variant has been classified as Likely Pathogenic.

Literature cited by the submitters: PubMed 15171998; PubMed 18450854; PubMed 20036593; PubMed 20434380.